The following is an entry in ClinVar:

NM_020639.3(RIPK4):c.739G>A (p.Val247Met)

Gene: RIPK4 (receptor interacting serine/threonine kinase 4; minus strand). Cytogenetic location: 21q22.3.
Variant type: single nucleotide variant.
Coding change: c.739G>A on transcript NM_020639.3 (MANE Select); coding-DNA position 739, G replaced by A.
Protein change: p.Val247Met; replaces valine 247 with methionine.
Molecular consequence: missense variant.
Genome position (GRCh38, 1-based): chr21:41,746,706, C>T on the plus strand (G>A on the coding strand, the complement: RIPK4 is on the minus strand). VCF-style: chr21-41746706-C-T. GRCh37 (hg19) VCF-style: chr21-43166866-C-T.
Other names: short protein forms V247M.
Identifiers: ClinVar variation 1311181 (VCV001311181.4), dbSNP rs759682809, ClinGen allele CA10035629.
Genomic context (GRCh38, chr21:41,746,706, plus strand): 5'-GCCAGCACCGCTGCATGAGGCGTATCAGGTGGCTGCAGGCGCGCGGCCGGGCTCTGCACA[C>T]GGGCGGCAGCTCGGGGCGGTGGCCCTTCACCACCTTCACCATGATGTGCAGGATGTTCTT-3'
Protein context (NP_065690.2, residues 237-257): VKGHRPELPP[Val247Met]CRARPRACSH

ClinVar aggregate classification (germline): Uncertain significance. Review status: criteria provided, multiple submitters, no conflicts (2 of 4 stars). 2 submissions from 2 submitters: Uncertain significance (2). Last evaluated 2021-07-14.

Conditions:
Inborn genetic diseases. Identifiers: MedGen C0950123, MeSH D030342.

Allele frequency attached by ClinVar (database versions not stated): gnomAD 0.00007; gnomAD exomes 0.00007 and 0.00015; TOPMed 0.00009; ExAC 0.00015.
gnomAD v4.1: 118 of 1,609,984 alleles (0.0073%); highest among the groups gnomAD compares: Admixed American, 0.02%; no homozygotes.

Submissions (2):

Ambry Genetics
Classification: Uncertain significance for Inborn genetic diseases. Last evaluated: 2021-07-14. Review status: criteria provided, single submitter. Criteria: Ambry Variant Classification Scheme 2023. Collection method: clinical testing. Allele origin: germline.

GeneDx
Classification: Uncertain significance. Last evaluated: 2019-12-27. Review status: criteria provided, single submitter. Criteria: GeneDx Variant Classification Process June 2021. Collection method: clinical testing. Allele origin: germline. Affected: yes.
Comment: In silico analysis, which includes protein predictors and evolutionary conservation, supports that this variant does not alter protein structure/function; Has not been previously published as pathogenic or benign to our knowledge